The following is an entry in ClinVar:

ClinVar aggregate classification (germline): Benign (0 of 4 stars; one submission).

Conditions:
INPP5B-related disorder. Also called: INPP5B-related condition.

Allele frequency attached by ClinVar (database versions not stated): 1000 Genomes Project 0.01198; 1000 Genomes Project 30x 0.01265; TOPMed 0.02232; gnomAD 0.02467; ESP Exome Variant Server 0.02894; ExAC 0.03006.
gnomAD v4.1: 49,989 of 1,578,722 alleles (3.2%); highest among the groups gnomAD compares: Non-Finnish European, 3.5%; 993 homozygotes.

Submission:

PreventionGenetics, part of Exact Sciences
Classification: Benign for INPP5B-related condition. Last evaluated: 2019-09-13. Review status: no assertion criteria provided. Collection method: clinical testing. Allele origin: germline.
Comment: This variant is classified as benign based on ACMG/AMP sequence variant interpretation guidelines (Richards et al. 2015 PMID: 25741868, with internal and published modifications).

NM_005540.3(INPP5B):c.873C>A (p.Ile291=)

Gene: INPP5B (inositol polyphosphate-5-phosphatase B; minus strand). Cytogenetic location: 1p34.3.
Variant type: single nucleotide variant.
Coding change: c.873C>A on transcript NM_005540.3 (MANE Select); coding-DNA position 873, C replaced by A.
Protein change: p.Ile291=; no amino-acid change (isoleucine 291 retained).
Molecular consequence: synonymous variant. On other transcripts: non-coding transcript variant (4).
Genome position (GRCh38, 1-based): chr1:37,888,269, G>T on the plus strand (C>A on the coding strand, the complement: INPP5B is on the minus strand). VCF-style: chr1-37888269-G-T. GRCh37 (hg19) VCF-style: chr1-38353941-G-T.
Other names: c.381C>A, p.Ile127= (NM_001297434.2); c.213C>A, p.Ile71= (NM_001350227.2, NM_001350228.1); c.873C>A, p.Ile291= (NM_001365820.1); c.867C>A, p.Ile289= (NM_001365821.1); c.807C>A, p.Ile269= (NM_001365822.1); c.678C>A, p.Ile226= (NM_001365823.1, NM_001365824.1); c.516C>A, p.Ile172= (NM_001365825.1).
Identifiers: ClinVar variation 3056078 (VCV003056078.2), dbSNP rs28580141, ClinGen allele CA776070.